The following is an entry in ClinVar:

ClinVar aggregate classification (germline): Benign/Likely benign. Review status: criteria provided, multiple submitters, no conflicts (2 of 4 stars). 17 submissions from 17 submitters: Benign (6); Likely benign (7). 4 of the submissions do not count toward it. Last evaluated 2026-03-01.

Conditions:
Cardiovascular phenotype. Identifiers: MedGen CN230736.
CACNA1C-related disorder. Also called: CACNA1C-related condition; CACNA1C-related disorders. Identifiers: MedGen CN381092, MONDO:0700321.
Timothy syndrome (TS). Also called: LONG QT SYNDROME WITH SYNDACTYLY. Identifiers: Orphanet 65283, MedGen C1832916, MeSH C536962, MONDO:0010979, OMIM 601005.
Brugada syndrome 3 (BRGDA3). Identifiers: Orphanet 130, MedGen C2678478, MONDO:0012742, OMIM 611875.
Long QT syndrome 8. Identifiers: MedGen CN260585, MONDO:0032756, OMIM 618447.
Long QT syndrome (LQTS). Identifiers: MedGen C0023976, MeSH D008133, MONDO:0002442. Disease mechanism: loss of function. Inheritance: Various modes of inheritance.

Allele frequency attached by ClinVar (database versions not stated): TOPMed 0.00251; gnomAD exomes 0.00408 and 0.00346; gnomAD 0.00330 and 0.00346; 1000 Genomes Project 30x 0.00031; 1000 Genomes Project 0.00040; ESP Exome Variant Server 0.00232; ExAC 0.00738.
gnomAD v4.1: 6,310 of 1,592,144 alleles (0.4%); highest among the groups gnomAD compares: Non-Finnish European, 0.45%; 24 homozygotes.

Submissions (17):

CeGaT Center for Human Genetics Tuebingen
Classification: Benign. Last evaluated: 2026-03-01. Review status: criteria provided, single submitter. Criteria: CeGaT Center For Human Genetics Tuebingen Variant Classification Criteria Version 2. Collection method: clinical testing. Allele origin: germline. Affected: yes. Observed: 16 variant alleles.
Comment: CACNA1C: PP3, BS1, BS2

Labcorp Genetics (formerly Invitae), Labcorp
Classification: Benign for Long QT syndrome. Last evaluated: 2026-02-03. Review status: criteria provided, single submitter. Criteria: Invitae Variant Classification Sherloc (09022015). Collection method: clinical testing. Allele origin: germline.

ARUP Laboratories, Molecular Genetics and Genomics, ARUP Laboratories
Classification: Likely benign. Last evaluated: 2025-04-22. Review status: criteria provided, single submitter. Criteria: ARUP Molecular Germline Variant Investigation Process 2024. Collection method: clinical testing. Allele origin: germline.

Molecular Diagnostic Laboratory for Inherited Cardiovascular Disease, Montreal Heart Institute
Classification: Likely benign. Last evaluated: 2025-04-09. Review status: criteria provided, single submitter. Criteria: ACMG Guidelines, 2015. Collection method: clinical testing. Allele origin: germline. Affected: no.

Blueprint Genetics
Classification: Likely benign. Last evaluated: 2024-10-31. Review status: criteria provided, single submitter. Criteria: ACMG Guidelines, 2015. Collection method: clinical testing. Allele origin: germline.

Mayo Clinic Laboratories, Mayo Clinic
Classification: Benign. Last evaluated: 2023-03-23. Review status: criteria provided, single submitter. Criteria: ACMG Guidelines, 2015. Collection method: clinical testing. Allele origin: germline. Observed: 16 variant alleles.
Comment: BS1, BS2

Fulgent Genetics
Classification: Likely benign for Timothy syndrome; Brugada syndrome 3; Long QT syndrome 8. Last evaluated: 2022-04-11. Review status: criteria provided, single submitter. Criteria: ACMG Guidelines, 2015. Collection method: clinical testing. Allele origin: unknown.

Mendelics
Classification: Benign for Timothy syndrome. Last evaluated: 2019-05-28. Review status: criteria provided, single submitter. Criteria: Mendelics Assertion Criteria 2017. Collection method: clinical testing. Allele origin: unknown.

GeneDx
Classification: Benign. Last evaluated: 2018-11-28. Review status: criteria provided, single submitter. Criteria: GeneDx Variant Classification Process June 2021. Collection method: clinical testing. Allele origin: germline. Affected: yes.
Comment: This variant is associated with the following publications: (PMID: 26498160)

Ambry Genetics
Classification: Benign for Cardiovascular phenotype. Last evaluated: 2015-09-04. Review status: criteria provided, single submitter. Criteria: Ambry Variant Classification Scheme 2023. Collection method: clinical testing. Allele origin: germline.

Eurofins Ntd Llc (ga)
Classification: Likely benign. Last evaluated: 2014-07-16. Review status: criteria provided, single submitter. Criteria: EGL Classification Definitions 2015. Collection method: clinical testing. Allele origin: germline. Observed: 3 variant alleles, 3 heterozygotes.

Biesecker Lab/Clinical Genomics Section, National Institutes of Health
Classification: Likely benign. Last evaluated: 2013-06-24. Review status: criteria provided, single submitter. Criteria: Ng et al. (Circ Cardiovasc Genet. 2013). Collection method: research. Allele origin: unknown. Observed: 1 variant allele. Study: ClinSeq.
Comment: The study set was not selected for affection status in relation to any cancer. Pathogenicity categories were based on literature curation. See Pubmed ID:23861362 for details.

Medical sequencing

Breakthrough Genomics
Classification: Likely benign. Review status: criteria provided, single submitter. Criteria: ACMG Guidelines, 2015. Collection method: not provided. Allele origin: germline. Inheritance: Autosomal dominant inheritance. Affected: yes.

PreventionGenetics, part of Exact Sciences
Classification: Likely benign for CACNA1C-related condition. Last evaluated: 2019-09-09. Review status: no assertion criteria provided. Collection method: clinical testing. Allele origin: germline. Not counted in ClinVar's aggregate classification.
Comment: This variant is classified as likely benign based on ACMG/AMP sequence variant interpretation guidelines (Richards et al. 2015 PMID: 25741868, with internal and published modifications).

Clinical Genetics, Academic Medical Center
Classification: Benign. Review status: no assertion criteria provided. Collection method: clinical testing. Allele origin: germline. Affected: yes. Study: VKGL Data-share Consensus. Not counted in ClinVar's aggregate classification.

Genome Diagnostics Laboratory, University Medical Center Utrecht
Classification: Benign. Review status: no assertion criteria provided. Collection method: clinical testing. Allele origin: germline. Affected: yes. Study: VKGL Data-share Consensus. Not counted in ClinVar's aggregate classification.

Joint Genome Diagnostic Labs from Nijmegen and Maastricht, Radboudumc and MUMC+
Classification: Benign. Review status: no assertion criteria provided. Collection method: clinical testing. Allele origin: germline. Affected: yes. Study: VKGL Data-share Consensus. Not counted in ClinVar's aggregate classification.

NM_000719.7(CACNA1C):c.109G>A (p.Gly37Arg)

Gene: CACNA1C (calcium voltage-gated channel subunit alpha1 C; plus strand). Cytogenetic location: 12p13.33.
Variant type: single nucleotide variant.
Coding change: c.109G>A on transcript NM_000719.7 (MANE Select); coding-DNA position 109, G replaced by A.
Protein change: p.Gly37Arg; replaces glycine 37 with arginine.
Molecular consequence: missense variant.
Genome position (GRCh38, 1-based): chr12:2,115,283, G>A. VCF-style: chr12-2115283-G-A. GRCh37 (hg19) VCF-style: chr12-2224449-G-A.
Other names: c.109G>A, p.Gly37Arg (NM_001129827.2, NM_001129829.2, NM_001129830.3 and 19 more transcripts); short protein forms G37R.
Identifiers: ClinVar variation 93391 (VCV000093391.64), dbSNP rs34534613, ClinGen allele CA200237.
Genomic context (GRCh38, chr12:2,115,283, plus strand): 5'-GGTTCCAACTATGGGAGCCCACGCCCCGCCCATGCCAACATGAATGCCAATGCGGCAGCG[G>A]GGCTGGCCCCTGAGCACATCCCCACCCCGGGGGCTGCCCTGTCGTGGCAGGCGGCCATCG-3'
Protein context (NP_000710.5, residues 27-47): HANMNANAAA[Gly37Arg]LAPEHIPTPG